The following is an entry in ClinVar:

NM_000112.4(SLC26A2):c.1091T>C (p.Ile364Thr)

Gene: SLC26A2 (solute carrier family 26 member 2; plus strand). Cytogenetic location: 5q32.
Variant type: single nucleotide variant.
Coding change: c.1091T>C on transcript NM_000112.4 (MANE Select); coding-DNA position 1091, T replaced by C.
Protein change: p.Ile364Thr; replaces isoleucine 364 with threonine.
Molecular consequence: missense variant.
Genome position (GRCh38, 1-based): chr5:149,980,684, T>C. VCF-style: chr5-149980684-T-C. GRCh37 (hg19) VCF-style: chr5-149360247-T-C.
Other names: short protein forms I364T.
Identifiers: ClinVar variation 1446334 (VCV001446334.5), dbSNP rs1360579129, ClinGen allele CA361707133.

ClinVar aggregate classification (germline): Uncertain significance (1 of 4 stars; one submission).

Conditions:
Diastrophic dysplasia (DTD). Also called: Diastrophic dwarfism. Identifiers: Orphanet 628, MedGen C0220726, MONDO:0009107, OMIM 222600.
Atelosteogenesis type II (AO2). Also called: NEONATAL OSSEOUS DYSPLASIA I; Neonatal osseous dysplasia 1; SLC26A2-Related Atelosteogenesis. Identifiers: Orphanet 56304, MedGen C1850554, MONDO:0009727, OMIM 256050.
Multiple epiphyseal dysplasia type 4 (EDM4). Also called: Multiple Epiphyseal Dysplasia, Recessive; MULTIPLE EPIPHYSEAL DYSPLASIA WITH BILAYERED PATELLAE; MULTIPLE EPIPHYSEAL DYSPLASIA WITH CLUBFOOT; MULTIPLE EPIPHYSEAL DYSPLASIA, AUTOSOMAL RECESSIVE; SLC26A2-Related Multiple Epiphyseal Dysplasia. Identifiers: Orphanet 93307, MedGen C1847593, MONDO:0009189, OMIM 226900.
Achondrogenesis, type IB (ACG1B). Also called: Achondrogenesis Type 1B. Identifiers: Orphanet 932, Orphanet 93298, MedGen C0265274, MONDO:0010966, OMIM 600972.

Allele frequency attached by ClinVar (database versions not stated): gnomAD exomes 0.00001; TOPMed 0.00001.
gnomAD v4.1: 14 of 1,614,046 alleles (0.00087%); highest among the groups gnomAD compares: African/African-American, 0.0013%; no homozygotes.

Submission:

Labcorp Genetics (formerly Invitae), Labcorp
Classification: Uncertain significance for Atelosteogenesis type II; Multiple epiphyseal dysplasia type 4; Achondrogenesis, type IB; Diastrophic dysplasia. Last evaluated: 2021-08-20. Review status: criteria provided, single submitter. Criteria: Invitae Variant Classification Sherloc (09022015). Collection method: clinical testing. Allele origin: germline.
Comment: This sequence change replaces isoleucine with threonine at codon 364 of the SLC26A2 protein (p.Ile364Thr). The isoleucine residue is highly conserved and there is a moderate physicochemical difference between isoleucine and threonine. This variant is not present in population databases (ExAC no frequency). This variant has not been reported in the literature in individuals affected with SLC26A2-related conditions. Advanced modeling of protein sequence and biophysical properties (such as structural, functional, and spatial information, amino acid conservation, physicochemical variation, residue mobility, and thermodynamic stability) performed at Invitae indicates that this missense variant is expected to disrupt SLC26A2 protein function. In summary, the available evidence is currently insufficient to determine the role of this variant in disease. Therefore, it has been classified as a Variant of Uncertain Significance.